The following is an entry in ClinVar:

NM_000482.4(APOA4):c.479A>G (p.Tyr160Cys)

Gene: APOA4 (apolipoprotein A4; minus strand). Cytogenetic location: 11q23.3.
Variant type: single nucleotide variant.
Coding change: c.479A>G on transcript NM_000482.4 (MANE Select); coding-DNA position 479, A replaced by G.
Protein change: p.Tyr160Cys; replaces tyrosine 160 with cysteine.
Molecular consequence: missense variant.
Genome position (GRCh38, 1-based): chr11:116,821,579, T>C on the plus strand (A>G on the coding strand, the complement: APOA4 is on the minus strand). VCF-style: chr11-116821579-T-C. GRCh37 (hg19) VCF-style: chr11-116692295-T-C.
Other names: short protein forms Y160C.
Identifiers: ClinVar variation 2695785 (VCV002695785.3), dbSNP rs767012223, ClinGen allele CA6289412.
Genomic context (GRCh38, chr11:116,821,579, plus strand): 5'-CTCAGCGAGGCCTGCAGGCTGTCGGCGTTCTCCCGCAGCACTCTCTCCATGCGCTGTGCG[T>C]AGGGGGTCAGCTGGCGCCGCAGCTGCTCGGCCTGCGTGCTGACCTGGGTGCGCAGCTGGT-3'
Protein context (NP_000473.2, residues 150-170): AEQLRRQLTP[Tyr160Cys]AQRMERVLRE

ClinVar aggregate classification (germline): Uncertain significance (1 of 4 stars; one submission).

Allele frequency attached by ClinVar (database versions not stated): gnomAD 0.00001; ExAC 0.00002; gnomAD exomes 0.00004; TOPMed 0.00001.

Submission:

Labcorp Genetics (formerly Invitae), Labcorp
Classification: Uncertain significance. Last evaluated: 2025-04-23. Review status: criteria provided, single submitter. Criteria: Invitae Variant Classification Sherloc (09022015). Collection method: clinical testing. Allele origin: germline.
Comment: This sequence change replaces tyrosine, which is neutral and polar, with cysteine, which is neutral and slightly polar, at codon 160 of the APOA4 protein (p.Tyr160Cys). This variant is present in population databases (rs767012223, gnomAD 0.005%). This missense change has been observed in individual(s) with APOA4-related conditions (PMID: 36325899). ClinVar contains an entry for this variant (Variation ID: 2695785). Invitae Evidence Modeling of protein sequence and biophysical properties (such as structural, functional, and spatial information, amino acid conservation, physicochemical variation, residue mobility, and thermodynamic stability) indicates that this missense variant is expected to disrupt APOA4 protein function with a positive predictive value of 80%. In summary, the available evidence is currently insufficient to determine the role of this variant in disease. Therefore, it has been classified as a Variant of Uncertain Significance.

Literature cited by the submitters: PubMed 36325899.